The following is an entry in ClinVar:

NM_000051.4(ATM):c.3347A>T (p.Gln1116Leu)

Gene: ATM (ATM serine/threonine kinase; plus strand). Cytogenetic location: 11q22.3.
Variant type: single nucleotide variant.
Coding change: c.3347A>T on transcript NM_000051.4 (MANE Select); coding-DNA position 3347, A replaced by T.
Protein change: p.Gln1116Leu; replaces glutamine 1116 with leucine.
Molecular consequence: missense variant.
Genome position (GRCh38, 1-based): chr11:108,279,553, A>T. VCF-style: chr11-108279553-A-T. GRCh37 (hg19) VCF-style: chr11-108150280-A-T.
Other names: c.3347A>T, p.Gln1116Leu (NM_001351834.2); short protein forms Q1116L.
Identifiers: ClinVar variation 2102447 (VCV002102447.4), dbSNP rs1555090213, ClinGen allele CA382517637.
Genomic context (GRCh38, chr11:108,279,553, plus strand): 5'-TGTTCCAGGACACGAAGGGAGATTCTTCCAGGTTACTGAAAGCACTTCCTTTGAAGCTTC[A>T]GCAAACAGCTTTTGAAAATGCATACTTGAAAGCTCAGGAAGGAATGAGAGAAATGGTAAT-3'
Protein context (NP_000042.3, residues 1106-1126): RLLKALPLKL[Gln1116Leu]QTAFENAYLK

ClinVar aggregate classification (germline): Uncertain significance (1 of 4 stars; one submission).

Conditions:
Ataxia-telangiectasia syndrome (AT). Also called: AT, COMPLEMENTATION GROUP C; Ataxia telangiectasia (A-T); LOUIS-BAR SYNDROME; Ataxia-telangiectasia, complementation group D; Ataxia-telangiectasia, complementation group E; ATAXIA-TELANGIECTASIA, COMPLEMENTATION GROUP A. Identifiers: Orphanet 100, MedGen C0004135, MONDO:0008840, OMIM 208900.

Submission:

Labcorp Genetics (formerly Invitae), Labcorp
Classification: Uncertain significance for Ataxia-telangiectasia syndrome. Last evaluated: 2022-02-23. Review status: criteria provided, single submitter. Criteria: Invitae Variant Classification Sherloc (09022015). Collection method: clinical testing. Allele origin: germline.
Comment: This sequence change replaces glutamine, which is neutral and polar, with leucine, which is neutral and non-polar, at codon 1116 of the ATM protein (p.Gln1116Leu). This variant is not present in population databases (gnomAD no frequency). This variant has not been reported in the literature in individuals affected with ATM-related conditions. Advanced modeling of protein sequence and biophysical properties (such as structural, functional, and spatial information, amino acid conservation, physicochemical variation, residue mobility, and thermodynamic stability) performed at Invitae indicates that this missense variant is not expected to disrupt ATM protein function. In summary, the available evidence is currently insufficient to determine the role of this variant in disease. Therefore, it has been classified as a Variant of Uncertain Significance.